The following is an entry in ClinVar:

ClinVar aggregate classification (germline): Uncertain significance (1 of 4 stars; one submission).

gnomAD v4.1: 1 of 1,614,178 alleles (0.000062%); no homozygotes.

Submission:

Labcorp Genetics (formerly Invitae), Labcorp
Classification: Uncertain significance. Last evaluated: 2022-08-20. Review status: criteria provided, single submitter. Criteria: Invitae Variant Classification Sherloc (09022015). Collection method: clinical testing. Allele origin: germline.
Comment: In summary, the available evidence is currently insufficient to determine the role of this variant in disease. Therefore, it has been classified as a Variant of Uncertain Significance. Algorithms developed to predict the effect of missense changes on protein structure and function (SIFT, PolyPhen-2, Align-GVGD) all suggest that this variant is likely to be tolerated. This variant has not been reported in the literature in individuals affected with KMT2C-related conditions. This variant is not present in population databases (gnomAD no frequency). This sequence change replaces alanine, which is neutral and non-polar, with aspartic acid, which is acidic and polar, at codon 2858 of the KMT2C protein (p.Ala2858Asp).

NM_170606.3(KMT2C):c.8573C>A (p.Ala2858Asp)

Gene: KMT2C (lysine methyltransferase 2C; minus strand). Cytogenetic location: 7q36.1.
Variant type: single nucleotide variant.
Coding change: c.8573C>A on transcript NM_170606.3 (MANE Select); coding-DNA position 8573, C replaced by A.
Protein change: p.Ala2858Asp; replaces alanine 2858 with aspartic acid.
Molecular consequence: missense variant.
Genome position (GRCh38, 1-based): chr7:152,176,880, G>T on the plus strand (C>A on the coding strand, the complement: KMT2C is on the minus strand). VCF-style: chr7-152176880-G-T. GRCh37 (hg19) VCF-style: chr7-151873965-G-T.
Other names: short protein forms A2858D.
Identifiers: ClinVar variation 1956665 (VCV001956665.5), dbSNP rs2093234077, ClinGen allele CA370078644.